The following is an entry in ClinVar:

ClinVar aggregate classification (germline): Uncertain significance (1 of 4 stars; one submission).

Conditions:
Oculofaciocardiodental syndrome (MCOPS2). Identifiers: Orphanet 2712, MedGen C1846265, MONDO:0010261, OMIM 300166.

Submission:

Labcorp Genetics (formerly Invitae), Labcorp
Classification: Uncertain significance for Oculofaciocardiodental syndrome. Last evaluated: 2024-10-07. Review status: criteria provided, single submitter. Criteria: Invitae Variant Classification Sherloc (09022015). Collection method: clinical testing. Allele origin: germline.
Comment: This sequence change replaces cysteine, which is neutral and slightly polar, with serine, which is neutral and polar, at codon 1080 of the BCOR protein (p.Cys1080Ser). This variant is not present in population databases (gnomAD no frequency). This variant has not been reported in the literature in individuals affected with BCOR-related conditions. An algorithm developed to predict the effect of missense changes on protein structure and function (PolyPhen-2) suggests that this variant is likely to be tolerated. In summary, the available evidence is currently insufficient to determine the role of this variant in disease. Therefore, it has been classified as a Variant of Uncertain Significance.

NM_001123385.2(BCOR):c.3239G>C (p.Cys1080Ser)

Gene: BCOR (BCL6 corepressor; minus strand). Cytogenetic location: Xp11.4.
Variant type: single nucleotide variant.
Coding change: c.3239G>C on transcript NM_001123385.2 (MANE Select); coding-DNA position 3239, G replaced by C.
Protein change: p.Cys1080Ser; replaces cysteine 1080 with serine.
Molecular consequence: missense variant.
Genome position (GRCh38, 1-based): chrX:40,064,599, C>G on the plus strand (G>C on the coding strand, the complement: BCOR is on the minus strand). VCF-style: chrX-40064599-C-G. GRCh37 (hg19) VCF-style: chrX-39923852-C-G.
Other names: c.3239G>C, p.Cys1080Ser (NM_001123383.2, NM_017745.6); c.3185G>C, p.Cys1062Ser (NM_001123384.2); short protein forms C1080S, C1062S.
Identifiers: ClinVar variation 3722381 (VCV003722381.2).